The following is an entry in ClinVar:

NM_144573.4(NEXN):c.1250A>C (p.Glu417Ala)

Gene: NEXN (nexilin F-actin binding protein; plus strand). Cytogenetic location: 1p31.1.
Variant type: single nucleotide variant.
Coding change: c.1250A>C on transcript NM_144573.4 (MANE Select); coding-DNA position 1250, A replaced by C.
Protein change: p.Glu417Ala; replaces glutamic acid 417 with alanine.
Molecular consequence: missense variant.
Genome position (GRCh38, 1-based): chr1:77,933,478, A>C. VCF-style: chr1-77933478-A-C. GRCh37 (hg19) VCF-style: chr1-78399163-A-C.
Other names: c.1058A>C, p.Glu353Ala (NM_001172309.2); short protein forms E417A, E353A.
Identifiers: ClinVar variation 3878965 (VCV003878965.1).

ClinVar aggregate classification (germline): Uncertain significance (1 of 4 stars; one submission).

Conditions:
Cardiovascular phenotype. Identifiers: MedGen CN230736.

Submission:

Ambry Genetics
Classification: Uncertain significance for Cardiovascular phenotype. Last evaluated: 2025-03-14. Review status: criteria provided, single submitter. Criteria: Ambry Variant Classification Scheme 2023. Collection method: clinical testing. Allele origin: germline.
Comment: The p.E417A variant (also known as c.1250A>C), located in coding exon 9 of the NEXN gene, results from an A to C substitution at nucleotide position 1250. The glutamic acid at codon 417 is replaced by alanine, an amino acid with dissimilar properties. This amino acid position is conserved. In addition, the in silico prediction for this alteration is inconclusive. Based on the available evidence, the clinical significance of this variant remains unclear.